The following is an entry in ClinVar:

ClinVar aggregate classification (germline): Uncertain significance (1 of 4 stars; one submission).

Allele frequency attached by ClinVar (database versions not stated): ExAC 0.00001.

Submission:

GeneDx
Classification: Uncertain significance. Last evaluated: 2026-06-20. Review status: criteria provided, single submitter. Criteria: GeneDx Variant Classification Process June 2021. Collection method: clinical testing. Allele origin: germline.
Comment: In silico analysis supports that this missense variant has a deleterious effect on protein structure/function; Has not been previously published as pathogenic or benign to our knowledge

NM_001270.4(CHD1):c.101C>T (p.Ser34Leu)

Genes: CHD1 (chromodomain helicase DNA binding protein 1; minus strand), LOC126807465 (P300/CBP strongly-dependent group 1 enhancer GRCh37_chr5:98240158-98241357; plus strand). Cytogenetic location: 5q21.1.
Variant type: single nucleotide variant.
Coding change: c.101C>T on transcript NM_001270.4 (MANE Select); coding-DNA position 101, C replaced by T.
Protein change: p.Ser34Leu; replaces serine 34 with leucine.
Molecular consequence: missense variant. On other transcripts: non-coding transcript variant (2).
Genome position (GRCh38, 1-based): chr5:98,905,051, G>A on the plus strand (C>T on the coding strand, the complement: CHD1 is on the minus strand). VCF-style: chr5-98905051-G-A. GRCh37 (hg19) VCF-style: chr5-98240755-G-A.
Other names: c.101C>T, p.Ser34Leu (NM_001364113.3, NM_001376194.2); short protein forms S34L.
Identifiers: ClinVar variation 1800835 (VCV001800835.2), dbSNP rs754993220, ClinGen allele CA3356684.